The following is an entry in ClinVar:

ClinVar aggregate classification (germline): Pathogenic. Review status: criteria provided, multiple submitters, no conflicts (2 of 4 stars). 2 submissions from 2 submitters: Pathogenic (2). Last evaluated 2023-06-23.

Conditions:
Polyhydramnios, megalencephaly, and symptomatic epilepsy (PMSE). Also called: PMSE SYNDROME. Identifiers: Orphanet 500533, MedGen C1970203, MONDO:0012611, OMIM 611087.

Allele frequency attached by ClinVar (database versions not stated): TOPMed below 0.00001; gnomAD 0.00001.

Submissions (2):

GeneDx
Classification: Pathogenic. Last evaluated: 2023-06-23. Review status: criteria provided, single submitter. Criteria: GeneDx Variant Classification Process June 2021. Collection method: clinical testing. Allele origin: germline. Affected: yes.
Comment: Nonsense variant predicted to result in protein truncation or nonsense mediated decay in a gene for which loss of function is a known mechanism of disease; Not observed at significant frequency in large population cohorts (gnomAD); This variant is associated with the following publications: (PMID: 27170158, 17522105, 31440721, 33247513)

Labcorp Genetics (formerly Invitae), Labcorp
Classification: Pathogenic for Polyhydramnios, megalencephaly, and symptomatic epilepsy. Last evaluated: 2019-02-07. Review status: criteria provided, single submitter. Criteria: Invitae Variant Classification Sherloc (09022015). Collection method: clinical testing. Allele origin: germline.
Comment: For these reasons, this variant has been classified as Pathogenic. Loss-of-function variants in STRADA are known to be pathogenic (PMID: 17522105, 27170158). Algorithms developed to predict the effect of sequence changes on RNA splicing suggest that this variant may create or strengthen a splice site, but this prediction has not been confirmed by published transcriptional studies. This variant has not been reported in the literature in individuals with STRADA-related conditions. This variant is not present in population databases (ExAC no frequency). This sequence change creates a premature translational stop signal (p.Arg228*) in the STRADA gene. It is expected to result in an absent or disrupted protein product.

Literature cited by the submitters: PubMed 17522105 (cited by Labcorp Genetics (formerly Invitae), Labcorp); PubMed 27170158 (cited by Labcorp Genetics (formerly Invitae), Labcorp).

NM_001003787.4(STRADA):c.682C>T (p.Arg228Ter)

Gene: STRADA (STE20 related adaptor alpha; minus strand). Cytogenetic location: 17q23.3.
Variant type: single nucleotide variant.
Coding change: c.682C>T on transcript NM_001003787.4 (MANE Select); coding-DNA position 682, C replaced by T.
Protein change: p.Arg228Ter; replaces arginine 228 with a stop codon.
Molecular consequence: nonsense.
Genome position (GRCh38, 1-based): chr17:63,707,318, G>A on the plus strand (C>T on the coding strand, the complement: STRADA is on the minus strand). VCF-style: chr17-63707318-G-A. GRCh37 (hg19) VCF-style: chr17-61784678-G-A.
Other names: c.571C>T, p.Arg191Ter (NM_001003786.3, NM_001363789.1, NM_153335.6); c.508C>T, p.Arg170Ter (NM_001003788.3, NM_001363790.1, NM_001363791.1); c.595C>T, p.Arg199Ter (NM_001165969.2, NM_001363787.1); c.550C>T, p.Arg184Ter (NM_001165970.2); c.658C>T, p.Arg220Ter (NM_001363786.1); c.682C>T, p.Arg228Ter (NM_001363788.1); short protein forms R170*, R184*, R191*, R199*, R220*, R228*.
Identifiers: ClinVar variation 842228 (VCV000842228.8), dbSNP rs35598314, ClinGen allele CA292943440.